The following is an entry in ClinVar:

ClinVar aggregate classification (germline): Pathogenic. Review status: criteria provided, multiple submitters, no conflicts (2 of 4 stars). 4 submissions from 4 submitters: Pathogenic (3). 1 of the submissions does not count toward it. Last evaluated 2026-01-17.

Conditions:
Mucopolysaccharidosis, MPS-III-C (MPS3C). Also called: SANFILIPPO SYNDROME C; MPS III C; MUCOPOLYSACCHARIDOSIS, TYPE IIIC; Mucopolysaccharidosis type IIIC (Sanfilippo C); MPS IIIC (Sanfilippo Syndrome Type C); mucopolysaccharidosis type 3C. Identifiers: Orphanet 581, Orphanet 79271, MedGen C0086649, MONDO:0009657, OMIM 252930.
Retinitis pigmentosa 73 (RP73). Identifiers: Orphanet 791, MedGen C4225287, MONDO:0014687, OMIM 616544.

Allele frequency attached by ClinVar (database versions not stated): ExAC 0.00002; gnomAD 0.00001; TOPMed 0.00001; gnomAD exomes below 0.00001 and 0.00001.
gnomAD v4.1: 4 of 1,612,568 alleles (0.00025%); highest among the groups gnomAD compares: African/African-American, 0.0053%; no homozygotes.

Submissions (4):

Labcorp Genetics (formerly Invitae), Labcorp
Classification: Pathogenic for Retinitis pigmentosa 73; Mucopolysaccharidosis, MPS-III-C. Last evaluated: 2026-01-17. Review status: criteria provided, single submitter. Criteria: Invitae Variant Classification Sherloc (09022015). Collection method: clinical testing. Allele origin: germline.
Comment: This sequence change affects an acceptor splice site in intron 9 of the HGSNAT gene. It is expected to disrupt RNA splicing. Variants that disrupt the donor or acceptor splice site typically lead to a loss of protein function (PMID: 16199547), and loss-of-function variants in HGSNAT are known to be pathogenic (PMID: 17033958, 19479962, 25859010). This variant is present in population databases (rs755710040, gnomAD 0.01%). Disruption of this splice site has been observed in individual(s) with mucopolysaccharidosis type IIIC (MPS IIIC) (PMID: 17397050). It has also been observed to segregate with disease in related individuals. ClinVar contains an entry for this variant (Variation ID: 504466). Algorithms developed to predict the effect of sequence changes on RNA splicing suggest that this variant may disrupt the consensus splice site. For these reasons, this variant has been classified as Pathogenic.

Natera, Inc.
Classification: Pathogenic for Mucopolysaccharidosis type IIIC. Last evaluated: 2025-10-23. Review status: criteria provided, single submitter. Criteria: Natera Variant Classification Schema (03/2026). Collection method: clinical testing. Allele origin: germline.
Comment: The c.852-2A>C variant in HGSNAT is a canonical splice acceptor site variant predicted to affect pre-mRNA splicing, which may result in an abnormal transcript and altered protein product. This variant is expected to result in nonsense mediated decay, truncation, or a dysfunctional protein product. This variant is rare in the general population with a frequency below the threshold expected for the associated phenotype(s). Another variant at this same site results in an alteration predicted to cause a similar molecular effect has been observed in individual(s) with the associated phenotype. Given the available evidence, this variant is classified as Pathogenic.

GeneDx
Classification: Pathogenic. Last evaluated: 2024-09-19. Review status: criteria provided, single submitter. Criteria: GeneDx Variant Classification Process June 2021. Collection method: clinical testing. Allele origin: germline. Affected: yes.
Comment: Canonical splice site variant predicted to result in a null allele in a gene for which loss of function is a known mechanism of disease; Not observed at significant frequency in large population cohorts (gnomAD); Has not been previously published as pathogenic or benign to our knowledge; This variant is associated with the following publications: (PMID: 31964843)

Counsyl
Classification: Likely pathogenic for Mucopolysaccharidosis, MPS-III-C. Last evaluated: 2017-10-16. Review status: no assertion criteria provided. Collection method: clinical testing. Allele origin: unknown. Not counted in ClinVar's aggregate classification.

Literature cited by the submitters: PubMed 16199547 (cited by Labcorp Genetics (formerly Invitae), Labcorp); PubMed 17033958 (cited by Labcorp Genetics (formerly Invitae), Labcorp); PubMed 19479962 (cited by Labcorp Genetics (formerly Invitae), Labcorp); PubMed 25859010 (cited by Labcorp Genetics (formerly Invitae), Labcorp); PubMed 17397050 (cited by Labcorp Genetics (formerly Invitae), Labcorp).

NM_152419.3(HGSNAT):c.852-2A>C

Gene: HGSNAT (heparan-alpha-glucosaminide N-acetyltransferase; plus strand). Cytogenetic location: 8p11.21.
Variant type: single nucleotide variant.
Coding change: c.852-2A>C on transcript NM_152419.3 (MANE Select); the canonical splice acceptor site of the intron before coding-DNA position 852, A replaced by C.
Molecular consequence: splice acceptor variant. On other transcripts: intron variant (1).
Genome position (GRCh38, 1-based): chr8:43,178,072, A>C. VCF-style: chr8-43178072-A-C. GRCh37 (hg19) VCF-style: chr8-43033215-A-C.
Other names: c.852-2A>C (NM_001363227.2); c.-13-2A>C (NM_001363229.2); c.821-4073A>C (NM_001363228.2).
Identifiers: ClinVar variation 504466 (VCV000504466.13), dbSNP rs755710040, ClinGen allele CA4736673.
Genomic context (GRCh38, chr8:43,178,072, plus strand): 5'-TTACTGATATATAGACAAAAAATTTGGAAATGGCCACCTATTAATAACTAGATTCTTTTT[A>C]GGTTTGTATTTATTATGGGATCTTCCATTTTTCTATCGATGACTTCTATACTGCAACGGG-3'